The following is an entry in ClinVar:

ClinVar aggregate classification (germline): Benign/Likely benign. Review status: criteria provided, multiple submitters, no conflicts (2 of 4 stars). 4 submissions from 4 submitters: Benign (2); Likely benign (1). 1 of the submissions does not count toward it. Last evaluated 2026-09-01.

Conditions:
TRRAP-related disorder. Also called: TRRAP-related condition.

Allele frequency attached by ClinVar (database versions not stated): gnomAD 0.00004; TOPMed 0.00010; gnomAD exomes 0.00015 and 0.00034; 1000 Genomes Project 30x 0.00016; 1000 Genomes Project 0.00020; ExAC 0.00031.
gnomAD v4.1: 94 of 1,614,246 alleles (0.0058%); highest among the groups gnomAD compares: Admixed American, 0.15%; no homozygotes.

Submissions (4):

CeGaT Center for Human Genetics Tuebingen
Classification: Likely benign. Last evaluated: 2026-09-01. Review status: criteria provided, single submitter. Criteria: CeGaT Center For Human Genetics Tuebingen Variant Classification Criteria Version 2. Collection method: clinical testing. Allele origin: germline. Affected: yes. Observed: 2 variant alleles.
Comment: TRRAP: BS1

Labcorp Genetics (formerly Invitae), Labcorp
Classification: Benign. Last evaluated: 2026-01-15. Review status: criteria provided, single submitter. Criteria: Invitae Variant Classification Sherloc (09022015). Collection method: clinical testing. Allele origin: germline.

Breakthrough Genomics
Classification: Benign. Review status: criteria provided, single submitter. Criteria: ACMG Guidelines, 2015. Collection method: not provided. Allele origin: germline. Inheritance: Autosomal dominant inheritance. Affected: yes.

PreventionGenetics, part of Exact Sciences
Classification: Likely benign for TRRAP-related condition. Last evaluated: 2024-07-01. Review status: no assertion criteria provided. Collection method: clinical testing. Allele origin: germline. Not counted in ClinVar's aggregate classification.
Comment: This variant is classified as likely benign based on ACMG/AMP sequence variant interpretation guidelines (Richards et al. 2015 PMID: 25741868, with internal and published modifications).

NM_001375524.1(TRRAP):c.3798G>A (p.Val1266=)

Gene: TRRAP (transformation/transcription domain associated protein; plus strand). Cytogenetic location: 7q22.1.
Variant type: single nucleotide variant.
Coding change: c.3798G>A on transcript NM_001375524.1 (MANE Select); coding-DNA position 3798, G replaced by A.
Protein change: p.Val1266=; no amino-acid change (valine 1266 retained).
Molecular consequence: synonymous variant.
Genome position (GRCh38, 1-based): chr7:98,931,611, G>A. VCF-style: chr7-98931611-G-A. GRCh37 (hg19) VCF-style: chr7-98529234-G-A.
Other names: c.3798G>A, p.Val1266= (NM_001244580.2, NM_003496.4).
Identifiers: ClinVar variation 711337 (VCV000711337.24), dbSNP rs192031876, ClinGen allele CA4360063.
Genomic context (GRCh38, chr7:98,931,611, plus strand): 5'-TCGAGAAGTCACCTCTCCAAACTCCACTGTGAGGAAGCAGGCCATGCATTCGCTGCAGGT[G>A]TTGGCCCAGGTCACTGGGAAGAGTGTCACGGTGATCATGGAACCCCACAAAGAGGTGAGA-3'
Protein context (NP_001362453.1, residues 1256-1276): VRKQAMHSLQ[Val1266=]LAQVTGKSVT